The following is an entry in ClinVar:

NM_025099.6(CTC1):c.119C>T (p.Pro40Leu)

Gene: CTC1 (CST telomere replication complex component 1; minus strand). Cytogenetic location: 17p13.1.
Variant type: single nucleotide variant.
Coding change: c.119C>T on transcript NM_025099.6 (MANE Select); coding-DNA position 119, C replaced by T.
Protein change: p.Pro40Leu; replaces proline 40 with leucine.
Molecular consequence: missense variant. On other transcripts: non-coding transcript variant (1).
Genome position (GRCh38, 1-based): chr17:8,243,063, G>A on the plus strand (C>T on the coding strand, the complement: CTC1 is on the minus strand). VCF-style: chr17-8243063-G-A. GRCh37 (hg19) VCF-style: chr17-8146381-G-A.
Other names: c.119C>T, p.Pro40Leu (NM_001411067.1); short protein forms P40L.
Identifiers: ClinVar variation 2176656 (VCV002176656.4), dbSNP rs1341277794, ClinGen allele CA397996498.

ClinVar aggregate classification (germline): Uncertain significance (1 of 4 stars; one submission).

Conditions:
Dyskeratosis congenita. Identifiers: Orphanet 1775, MedGen C0265965, MONDO:0015780.

Allele frequency attached by ClinVar (database versions not stated): gnomAD exomes below 0.00001.
gnomAD v4.1: 1 of 1,613,992 alleles (0.000062%); highest among the groups gnomAD compares: South Asian, 0.0011%; no homozygotes.

Submission:

Labcorp Genetics (formerly Invitae), Labcorp
Classification: Uncertain significance for Dyskeratosis congenita. Last evaluated: 2022-02-14. Review status: criteria provided, single submitter. Criteria: Invitae Variant Classification Sherloc (09022015). Collection method: clinical testing. Allele origin: germline.
Comment: In summary, the available evidence is currently insufficient to determine the role of this variant in disease. Therefore, it has been classified as a Variant of Uncertain Significance. Algorithms developed to predict the effect of missense changes on protein structure and function (SIFT, PolyPhen-2, Align-GVGD) all suggest that this variant is likely to be tolerated. This variant has not been reported in the literature in individuals affected with CTC1-related conditions. This variant is present in population databases (no rsID available, gnomAD 0.003%). This sequence change replaces proline, which is neutral and non-polar, with leucine, which is neutral and non-polar, at codon 40 of the CTC1 protein (p.Pro40Leu).